The following is an entry in ClinVar:

ClinVar aggregate classification (germline): Conflicting classifications of pathogenicity. Review status: criteria provided, conflicting classifications (1 of 4 stars). 5 submissions from 5 submitters: Uncertain significance (1); Benign (2); Likely benign (2). Last evaluated 2026-01-28.

Conditions:
Autosomal recessive nonsyndromic hearing loss 77. Identifiers: Orphanet 90636, MedGen C2746083, MONDO:0013119, OMIM 613079.

Allele frequency attached by ClinVar (database versions not stated): gnomAD exomes 0.00050 and 0.00108; ExAC 0.00269; gnomAD 0.00555 and 0.00590; TOPMed 0.00663; 1000 Genomes Project 30x 0.00781; 1000 Genomes Project 0.00799.
gnomAD v4.1: 1,578 of 1,517,642 alleles (0.1%); highest among the groups gnomAD compares: African/African-American, 1.8%; 20 homozygotes.

Submissions (5):

Labcorp Genetics (formerly Invitae), Labcorp
Classification: Benign. Last evaluated: 2026-01-28. Review status: criteria provided, single submitter. Criteria: Invitae Variant Classification Sherloc (09022015). Collection method: clinical testing. Allele origin: germline.

Blueprint Genetics
Classification: Likely benign. Last evaluated: 2024-11-13. Review status: criteria provided, single submitter. Criteria: ACMG Guidelines, 2015. Collection method: clinical testing. Allele origin: germline.

GeneDx
Classification: Likely benign. Last evaluated: 2018-10-26. Review status: criteria provided, single submitter. Criteria: GeneDx Variant Classification Process June 2021. Collection method: clinical testing. Allele origin: germline. Affected: yes.

Illumina Laboratory Services, Illumina
Classification: Uncertain significance for Autosomal recessive nonsyndromic hearing loss 77. Last evaluated: 2018-01-12. Review status: criteria provided, single submitter. Criteria: ICSL Variant Classification Criteria 13 December 2019. Collection method: clinical testing. Allele origin: germline.

Laboratory for Molecular Medicine, Mass General Brigham Personalized Medicine
Classification: Benign. Last evaluated: 2017-08-23. Review status: criteria provided, single submitter. Criteria: LMM Criteria. Collection method: clinical testing. Allele origin: germline. Observed: 2 variant alleles.
Comment: c.2599-11C>T in intron 18 of LOXHD1: This variant is not expected to have clinic al significance because it does not alter an amino acid residue, is not located within the splice consensus sequence, and has been identified in 2.38% (21/882) of African chromosomes by the Exome Aggregation Consortium (ExAC; dbSNP rs150139569).

NM_001384474.1(LOXHD1):c.2599-11C>T

Gene: LOXHD1 (lipoxygenase homology PLAT domains 1; minus strand). Cytogenetic location: 18q21.1.
Variant type: single nucleotide variant.
Coding change: c.2599-11C>T on transcript NM_001384474.1 (MANE Select); 11 bases into the intron before coding-DNA position 2599, C replaced by T.
Molecular consequence: intron variant.
Genome position (GRCh38, 1-based): chr18:46,560,556, G>A on the plus strand (C>T on the coding strand, the complement: LOXHD1 is on the minus strand). VCF-style: chr18-46560556-G-A. GRCh37 (hg19) VCF-style: chr18-44140519-G-A.
Other names: c.2599-11C>T (NM_144612.7).
Identifiers: ClinVar variation 517555 (VCV000517555.19), dbSNP rs150139569, ClinGen allele CA8952648.